The following is an entry in ClinVar:

NM_006206.6(PDGFRA):c.8C>T (p.Thr3Ile)

Gene: PDGFRA (platelet derived growth factor receptor alpha; plus strand). Cytogenetic location: 4q12.
Variant type: single nucleotide variant.
Coding change: c.8C>T on transcript NM_006206.6 (MANE Select); coding-DNA position 8, C replaced by T.
Protein change: p.Thr3Ile; replaces threonine 3 with isoleucine.
Molecular consequence: missense variant.
Genome position (GRCh38, 1-based): chr4:54,258,776, C>T. VCF-style: chr4-54258776-C-T. GRCh37 (hg19) VCF-style: chr4-55124943-C-T.
Other names: c.8C>T, p.Thr3Ile (NM_001347827.2, NM_001347829.2); c.83C>T, p.Thr28Ile (NM_001347828.2); c.47C>T, p.Thr16Ile (NM_001347830.2); short protein forms T28I, T16I, T3I.
Identifiers: ClinVar variation 4665202 (VCV004665202.1).

ClinVar aggregate classification (germline): Uncertain significance (1 of 4 stars; one submission).

Conditions:
Hereditary cancer-predisposing syndrome. Also called: Neoplastic Syndromes, Hereditary; Tumor predisposition; Hereditary Cancer Syndrome; Hereditary neoplastic syndrome. Identifiers: Orphanet 140162, MedGen C0027672, MeSH D009386, MONDO:0015356.

gnomAD v4.1: 3 of 1,613,044 alleles (0.00019%); highest among the groups gnomAD compares: Non-Finnish European, 0.00025%; no homozygotes.

Submission:

Ambry Genetics
Classification: Uncertain significance for Hereditary cancer-predisposing syndrome. Last evaluated: 2025-10-08. Review status: criteria provided, single submitter. Criteria: Ambry Variant Classification Scheme 2023. Collection method: clinical testing. Allele origin: germline.
Comment: The p.T3I variant (also known as c.8C>T), located in coding exon 1 of the PDGFRA gene, results from a C to T substitution at nucleotide position 8. The threonine at codon 3 is replaced by isoleucine, an amino acid with similar properties. This amino acid position is conserved. In addition, this alteration is predicted to be tolerated by in silico analysis. Based on the available evidence, the clinical significance of this variant remains unclear.